The following is an entry in ClinVar:

ClinVar aggregate classification (germline): Benign/Likely benign. Review status: criteria provided, multiple submitters, no conflicts (2 of 4 stars). 2 submissions from 2 submitters: Benign (1); Likely benign (1). Last evaluated 2018-01-13.

Conditions:
Autosomal dominant limb-girdle muscular dystrophy type 1D (DNAJB6) (LGMDD1). Also called: MUSCULAR DYSTROPHY, LIMB-GIRDLE, TYPE 1D; MUSCULAR DYSTROPHY, AUTOSOMAL DOMINANT, WITH RIMMED VACUOLES; Autosomal dominant limb-girdle muscular dystrophy type 1D; Muscular dystrophy, limb-girdle, autosomal dominant 1. Identifiers: Orphanet 34516, MedGen C4721885, MONDO:0021018, OMIM 603511.

Allele frequency attached by ClinVar (database versions not stated): gnomAD exomes 0.00165; gnomAD 0.00398 and 0.00418; TOPMed 0.00714; 1000 Genomes Project 0.00899; 1000 Genomes Project 30x 0.00984.
gnomAD v4.1: 2,970 of 1,550,378 alleles (0.19%); highest among the groups gnomAD compares: Admixed American, 5%; 95 homozygotes.

Submissions (2):

Illumina Laboratory Services, Illumina
Classification: Benign for Autosomal dominant limb-girdle muscular dystrophy type 1D (DNAJB6). Last evaluated: 2018-01-13. Review status: criteria provided, single submitter. Criteria: ICSL Variant Classification Criteria 13 December 2019. Collection method: clinical testing. Allele origin: germline.
Comment: This variant was observed in the ICSL laboratory as part of a predisposition screen in an ostensibly healthy population. It had not been previously curated by ICSL or reported in the Human Gene Mutation Database (HGMD: prior to June 1st, 2018), and was therefore a candidate for classification through an automated scoring system. Utilizing variant allele frequency, disease prevalence and penetrance estimates, and inheritance mode, an automated score was calculated to assess if this variant is too frequent to cause the disease. Based on the score and internal cut-off values, a variant classified as benign is not then subjected to further curation. The score for this variant resulted in a classification of benign for this disease.

Breakthrough Genomics
Classification: Likely benign. Review status: criteria provided, single submitter. Criteria: ACMG Guidelines, 2015. Collection method: not provided. Allele origin: germline. Inheritance: Autosomal dominant inheritance. Affected: yes.

NM_058246.4(DNAJB6):c.*88G>A

Gene: DNAJB6 (DnaJ heat shock protein family (Hsp40) member B6; plus strand). Cytogenetic location: 7q36.3.
Variant type: single nucleotide variant.
Coding change: c.*88G>A on transcript NM_058246.4 (MANE Select); 88 bases downstream of the stop codon, G replaced by A.
Molecular consequence: 3 prime UTR variant.
Genome position (GRCh38, 1-based): chr7:157,416,186, G>A. VCF-style: chr7-157416186-G-A. GRCh37 (hg19) VCF-style: chr7-157208880-G-A.
Other names: c.*88G>A (NM_001363676.1).
Identifiers: ClinVar variation 359459 (VCV000359459.7), dbSNP rs139193261, ClinGen allele CA10625595.
Genomic context (GRCh38, chr7:157,416,186, plus strand): 5'-CCAGACGCTGGCGCTCCACCGTGCTCGGCATGCGGTCGTGCACACGCGCTAGGTAGCAGC[G>A]TCGGTCAGGACTGTCTCGAGGCCACACTCGCTCGGCAGGATTATGCGATCACGGATCAGT-3'